The following is an entry in ClinVar:

ClinVar aggregate classification (germline): Uncertain significance (1 of 4 stars; one submission).

Conditions:
Hereditary cancer-predisposing syndrome. Also called: Neoplastic Syndromes, Hereditary; Tumor predisposition; Hereditary Cancer Syndrome; Hereditary neoplastic syndrome. Identifiers: Orphanet 140162, MedGen C0027672, MeSH D009386, MONDO:0015356.

Submission:

Ambry Genetics
Classification: Uncertain significance for Hereditary cancer-predisposing syndrome. Last evaluated: 2025-01-10. Review status: criteria provided, single submitter. Criteria: Ambry Variant Classification Scheme 2023. Collection method: clinical testing. Allele origin: germline.
Comment: The p.I455F variant (also known as c.1363A>T), located in coding exon 10 of the NBN gene, results from an A to T substitution at nucleotide position 1363. The isoleucine at codon 455 is replaced by phenylalanine, an amino acid with highly similar properties. This amino acid position is highly conserved in available vertebrate species. In addition, the in silico prediction for this alteration is inconclusive. Since supporting evidence is limited at this time, the clinical significance of this alteration remains unclear.

NM_002485.5(NBN):c.1363A>T (p.Ile455Phe)

Gene: NBN (nibrin; minus strand). Cytogenetic location: 8q21.3.
Variant type: single nucleotide variant.
Coding change: c.1363A>T on transcript NM_002485.5 (MANE Select); coding-DNA position 1363, A replaced by T.
Protein change: p.Ile455Phe; replaces isoleucine 455 with phenylalanine.
Molecular consequence: missense variant.
Genome position (GRCh38, 1-based): chr8:89,955,317, T>A on the plus strand (A>T on the coding strand, the complement: NBN is on the minus strand). VCF-style: chr8-89955317-T-A. GRCh37 (hg19) VCF-style: chr8-90967545-T-A.
Other names: c.1117A>T, p.Ile373Phe (NM_001024688.3); short protein forms I455F, I373F.
Identifiers: ClinVar variation 483992 (VCV000483992.6), dbSNP rs1554559041, ClinGen allele CA371656024.
Genomic context (GRCh38, chr8:89,955,317, plus strand): 5'-CATGAGAGAAGTTATCAAAAACAGACCTTTTTTTGGTAGACGGCTGAAAGTAGTTTCTGA[T>A]GGAGTTGGTCTGCTGCTGCTGAGAAGCCCTATCTTTACTTTTATTTATACTTGGCAATTT-3'
Protein context (NP_002476.2, residues 445-465): RASQQQQTNS[Ile455Phe]RNYFQPSTKK